The following is an entry in ClinVar:

NM_198253.3(TERT):c.1269C>A (p.Ala423=)

Gene: TERT (telomerase reverse transcriptase; minus strand). Cytogenetic location: 5p15.33.
Variant type: single nucleotide variant.
Coding change: c.1269C>A on transcript NM_198253.3 (MANE Select); coding-DNA position 1269, C replaced by A.
Protein change: p.Ala423=; no amino-acid change (alanine 423 retained).
Molecular consequence: synonymous variant. On other transcripts: non-coding transcript variant (2).
Genome position (GRCh38, 1-based): chr5:1,293,617, G>T on the plus strand (C>A on the coding strand, the complement: TERT is on the minus strand). VCF-style: chr5-1293617-G-T. GRCh37 (hg19) VCF-style: chr5-1293732-G-T.
Other names: c.1269C>A, p.Ala423= (NM_001193376.3).
Identifiers: ClinVar variation 242213 (VCV000242213.42), dbSNP rs190411812, ClinGen allele CA3184863.
Genomic context (GRCh38, chr5:1,293,617, plus strand): 5'-TGTGTCCTCCTCCTCGGGGGCCGCCACAGAGCCCTGGGGCTTCTCCCGGGCACAGACACC[G>T]GCTGCTGGGGTGACCGCAGCTCGCAGCGGGCAGTGCGTCTTGAGGAGCACCCCGTAGGGG-3'
Protein context (NP_937983.2, residues 413-433): CPLRAAVTPA[Ala423=]GVCAREKPQG

ClinVar aggregate classification (germline): Likely benign. Review status: criteria provided, multiple submitters, no conflicts (2 of 4 stars). 5 submissions from 5 submitters: Likely benign (5). Last evaluated 2026-03-01.

Conditions:
Idiopathic Pulmonary Fibrosis. Also called: Idiopathic fibrosing alveolitis, chronic form; idiopathic fibrosing alveolitis. Identifiers: Orphanet 2032, MedGen C1800706, MeSH D054990, MONDO:0800504.
Dyskeratosis congenita, autosomal dominant 2. Identifiers: MedGen C3151443, MONDO:0013521, OMIM 613989.
Dyskeratosis congenita. Identifiers: Orphanet 1775, MedGen C0265965, MONDO:0015780.

Allele frequency attached by ClinVar (database versions not stated): TOPMed 0.00053; 1000 Genomes Project 0.00160; 1000 Genomes Project 30x 0.00187.
gnomAD v4.1: 162 of 1,550,082 alleles (0.01%); highest among the groups gnomAD compares: African/African-American, 0.19%; 2 homozygotes.

Submissions (5):

CeGaT Center for Human Genetics Tuebingen
Classification: Likely benign. Last evaluated: 2026-03-01. Review status: criteria provided, single submitter. Criteria: CeGaT Center For Human Genetics Tuebingen Variant Classification Criteria Version 2. Collection method: clinical testing. Allele origin: germline. Affected: yes. Observed: 3 variant alleles.
Comment: TERT: BP4, BP7

Labcorp Genetics (formerly Invitae), Labcorp
Classification: Likely benign for Dyskeratosis congenita, autosomal dominant 2; Idiopathic Pulmonary Fibrosis. Last evaluated: 2026-01-26. Review status: criteria provided, single submitter. Criteria: Invitae Variant Classification Sherloc (09022015). Collection method: clinical testing. Allele origin: germline.

Blueprint Genetics
Classification: Likely benign. Last evaluated: 2024-11-14. Review status: criteria provided, single submitter. Criteria: ACMG Guidelines, 2015. Collection method: clinical testing. Allele origin: germline.

Ambry Genetics
Classification: Likely benign for Dyskeratosis congenita. Last evaluated: 2024-10-28. Review status: criteria provided, single submitter. Criteria: Ambry Variant Classification Scheme 2023. Collection method: clinical testing. Allele origin: germline.

Genetic Services Laboratory, University of Chicago
Classification: Likely benign. Last evaluated: 2016-03-10. Review status: criteria provided, single submitter. Criteria: ACMG Guidelines, 2015. Collection method: clinical testing. Allele origin: germline. Affected: no.